The following is an entry in ClinVar:

NM_002907.4(RECQL):c.1520_1546del (p.Asn507_Leu515del)

Gene: RECQL (RecQ like helicase; minus strand). Cytogenetic location: 12p12.1.
Variant type: Deletion.
Coding change: c.1520_1546del on transcript NM_002907.4 (MANE Select); coding-DNA positions 1520 to 1546, 27 bases deleted (ATGAAAAACTCACTCCATTGAAACTGA).
Protein change: p.Asn507_Leu515del.
Molecular consequence: inframe deletion.
Genome position (GRCh38, 1-based): chr12:21,471,549-21,471,575, TCAGTTTCAATGGAGTGAGTTTTTCAT deleted on the plus strand (ATGAAAAACTCACTCCATTGAAACTGA on the coding strand, the reverse complement: RECQL is on the minus strand); deleting any 27 consecutive bases within chr12:21,471,549-21,471,581 gives the same sequence; the c. name uses the placement nearest the transcript's 3' end. VCF-style (leftmost placement, unchanged base first): chr12-21471548-ATCAGTTTCAATGGAGTGAGTTTTTCAT-A. GRCh37 (hg19) VCF-style: chr12-21624482-ATCAGTTTCAATGGAGTGAGTTTTTCAT-A.
Other names: c.1520_1546del, p.Asn507_Leu515del (NM_032941.3).
Identifiers: ClinVar variation 2884702 (VCV002884702.3), dbSNP rs2540321546, ClinGen allele CA2739271880.

ClinVar aggregate classification (germline): Uncertain significance (1 of 4 stars; one submission).

Submission:

Labcorp Genetics (formerly Invitae), Labcorp
Classification: Uncertain significance. Last evaluated: 2023-07-06. Review status: criteria provided, single submitter. Criteria: Invitae Variant Classification Sherloc (09022015). Collection method: clinical testing. Allele origin: germline.
Comment: This variant, c.1520_1546del, results in the deletion of 9 amino acid(s) of the RECQL protein (p.Asn507_Leu515del), but otherwise preserves the integrity of the reading frame. This variant is not present in population databases (gnomAD no frequency). This variant has not been reported in the literature in individuals affected with RECQL-related conditions. Experimental studies and prediction algorithms are not available or were not evaluated, and the functional significance of this variant is currently unknown. In summary, the available evidence is currently insufficient to determine the role of this variant in disease. Therefore, it has been classified as a Variant of Uncertain Significance.